The following is an entry in ClinVar:

NM_006231.4(POLE):c.2936T>C (p.Leu979Pro)

Gene: POLE (DNA polymerase epsilon, catalytic subunit; minus strand). Cytogenetic location: 12q24.33.
Variant type: single nucleotide variant.
Coding change: c.2936T>C on transcript NM_006231.4 (MANE Select); coding-DNA position 2936, T replaced by C.
Protein change: p.Leu979Pro; replaces leucine 979 with proline.
Molecular consequence: missense variant.
Genome position (GRCh38, 1-based): chr12:132,661,093, A>G on the plus strand (T>C on the coding strand, the complement: POLE is on the minus strand). VCF-style: chr12-132661093-A-G. GRCh37 (hg19) VCF-style: chr12-133237679-A-G.
Other names: c.2936T>C (NM_006231.2); short protein forms L979P.
Identifiers: ClinVar variation 1501593 (VCV001501593.9), dbSNP rs2138691197, ClinGen allele CA387392607.
Genomic context (GRCh38, chr12:132,661,093, plus strand): 5'-AGCGTGCTGCCCTTGAGGAAGGCCTCAAACACCGAGGATTGGAAGATCTTAATCAGCTGC[A>G]GTTCCCCGCGGCGTTTGACCTCAAAGCCCTTGAGCTCAGCCAGAGAACCGTCTTCATTGA-3'
Protein context (NP_006222.2, residues 969-989): KGFEVKRRGE[Leu979Pro]QLIKIFQSSV

ClinVar aggregate classification (germline): Uncertain significance. Review status: criteria provided, multiple submitters, no conflicts (2 of 4 stars). 2 submissions from 2 submitters: Uncertain significance (2). Last evaluated 2025-04-23.

Conditions:
Hereditary cancer-predisposing syndrome. Also called: Hereditary neoplastic syndrome; Tumor predisposition; Neoplastic Syndromes, Hereditary; Hereditary Cancer Syndrome. Identifiers: Orphanet 140162, MedGen C0027672, MeSH D009386, MONDO:0015356.

Submissions (2):

Ambry Genetics
Classification: Uncertain significance for Hereditary cancer-predisposing syndrome. Last evaluated: 2025-04-23. Review status: criteria provided, single submitter. Criteria: Ambry Variant Classification Scheme 2023. Collection method: clinical testing. Allele origin: germline.
Comment: The p.L979P variant (also known as c.2936T>C), located in coding exon 25 of the POLE gene, results from a T to C substitution at nucleotide position 2936. The leucine at codon 979 is replaced by proline, an amino acid with similar properties. This amino acid position is conserved. In addition, this alteration is predicted to be deleterious by in silico analysis. Based on the available evidence, the clinical significance of this variant remains unclear.

Labcorp Genetics (formerly Invitae), Labcorp
Classification: Uncertain significance. Last evaluated: 2021-06-25. Review status: criteria provided, single submitter. Criteria: Invitae Variant Classification Sherloc (09022015). Collection method: clinical testing. Allele origin: germline.
Comment: This sequence change replaces leucine with proline at codon 979 of the POLE protein (p.Leu979Pro). The leucine residue is highly conserved and there is a moderate physicochemical difference between leucine and proline. This variant is not present in population databases (ExAC no frequency). This variant has not been reported in the literature in individuals with POLE-related conditions. Algorithms developed to predict the effect of missense changes on protein structure and function (SIFT, PolyPhen-2, Align-GVGD) all suggest that this variant is likely to be disruptive, but these predictions have not been confirmed by published functional studies and their clinical significance is uncertain. In summary, the available evidence is currently insufficient to determine the role of this variant in disease. Therefore, it has been classified as a Variant of Uncertain Significance.